The following is an entry in ClinVar:

ClinVar aggregate classification (germline): Likely benign (1 of 4 stars; one submission).

gnomAD v4.1: 11 of 1,613,838 alleles (0.00068%); highest among the groups gnomAD compares: Admixed American, 0.0017%; no homozygotes.

Submission:

CeGaT Center for Human Genetics Tuebingen
Classification: Likely benign. Last evaluated: 2025-10-01. Review status: criteria provided, single submitter. Criteria: CeGaT Center For Human Genetics Tuebingen Variant Classification Criteria Version 2. Collection method: clinical testing. Allele origin: germline. Affected: yes. Observed: 1 variant allele.
Comment: PCNA: BP4, BP7

NM_182649.2(PCNA):c.663C>G (p.Leu221=)

Gene: PCNA (proliferating cell nuclear antigen; minus strand). Cytogenetic location: 20p12.3.
Variant type: single nucleotide variant.
Coding change: c.663C>G on transcript NM_182649.2 (MANE Select); coding-DNA position 663, C replaced by G.
Protein change: p.Leu221=; no amino-acid change (leucine 221 retained).
Molecular consequence: synonymous variant.
Genome position (GRCh38, 1-based): chr20:5,115,492, G>C on the plus strand (C>G on the coding strand, the complement: PCNA is on the minus strand). VCF-style: chr20-5115492-G-C. GRCh37 (hg19) VCF-style: chr20-5096138-G-C.
Other names: c.663C>G, p.Leu221= (NM_002592.2).
Identifiers: ClinVar variation 4535476 (VCV004535476.6).